The following is an entry in ClinVar:

ClinVar aggregate classification (germline): Uncertain significance (1 of 4 stars; one submission).

Conditions:
Inborn genetic diseases. Identifiers: MedGen C0950123, MeSH D030342.

Submission:

Ambry Genetics
Classification: Uncertain significance for Inborn genetic diseases. Last evaluated: 2026-03-01. Review status: criteria provided, single submitter. Criteria: Ambry Variant Classification Scheme 2023. Collection method: clinical testing. Allele origin: germline.
Comment: The p.W473C variant (also known as c.1419G>T), located in coding exon 6 of the MBD4 gene, results from a G to T substitution at nucleotide position 1419. The tryptophan at codon 473 is replaced by cysteine, an amino acid with highly dissimilar properties. This amino acid position is conserved. In addition, this alteration is predicted to be deleterious by in silico analysis. Based on the available evidence, the clinical significance of this variant remains unclear.

NM_001276270.2(MBD4):c.1419G>T (p.Trp473Cys)

Gene: MBD4 (methyl-CpG binding domain 4, DNA glycosylase; minus strand). Cytogenetic location: 3q21.3.
Variant type: single nucleotide variant.
Coding change: c.1419G>T on transcript NM_001276270.2 (MANE Select); coding-DNA position 1419, G replaced by T.
Protein change: p.Trp473Cys; replaces tryptophan 473 with cysteine.
Molecular consequence: missense variant.
Genome position (GRCh38, 1-based): chr3:129,433,222, C>A on the plus strand (G>T on the coding strand, the complement: MBD4 is on the minus strand). VCF-style: chr3-129433222-C-A. GRCh37 (hg19) VCF-style: chr3-129152065-C-A.
Other names: c.1437G>T, p.Trp479Cys (NM_001276271.2, NM_001276272.2, NM_003925.3); c.483G>T, p.Trp161Cys (NM_001276273.2); short protein forms W479C, W161C, W473C.
Identifiers: ClinVar variation 4827727 (VCV004827727.1).
Genomic context (GRCh38, chr3:129,433,222, plus strand): 5'-CACATCTCTCCAGTCTGCGGTTCTTGCTACCTCAGCTGAAGGATACTTCTCCAGAAACTT[C>A]CAAAGCACAGGTATTGCCATTTTGCCTGGGAAGTAAAAGTAACTGAATGATTACAAGACT-3'
Protein context (NP_001263199.1, residues 463-483): TSGKMAIPVL[Trp473Cys]KFLEKYPSAE